The following is an entry in ClinVar:

ClinVar aggregate classification (germline): Uncertain significance. Review status: reviewed by expert panel (3 of 4 stars). 20 submissions from 20 submitters: Uncertain significance (1). 19 of the submissions do not count toward it. Last evaluated 2025-08-01.

Conditions:
Central core myopathy (CMYO1A). Also called: CONGENITAL MYOPATHY 1A, AUTOSOMAL DOMINANT, WITH SUSCEPTIBILITY TO MALIGNANT HYPERTHERMIA; Central core disease; Myopathy, central fibrillar. Identifiers: Orphanet 597, MedGen C5830701, MONDO:0007294, OMIM 117000.
Malignant hyperthermia, susceptibility to, 1 (MHS1). Also called: Malignant hyperthermia suceptibility 1; Anesthesia related hyperthermia; Malignant hyperpyrexia; Fulminating hyperpyrexia; Pharmacogenic myopathy; RYR1-Related Malignant Hyperthermia Susceptibility. Identifiers: Orphanet 423, MedGen C2930980, MONDO:0007783, OMIM 145600.
King Denborough syndrome (KDS). Identifiers: MedGen C1840365, MONDO:0020485, OMIM 619542.
Congenital multicore myopathy with external ophthalmoplegia (CMYO1B). Also called: MULTICORE MYOPATHY; MULTIMINICORE DISEASE WITH EXTERNAL OPHTHALMOPLEGIA; Congenital myopathy 1B, autosomal recessive; Minicore myopathy; Minicore myopathy with external ophthalmoplegia. Identifiers: Orphanet 598, Orphanet 98905, MedGen C1850674, MONDO:0009712, OMIM 255320, HP:0003789.
Congenital myopathy with fiber type disproportion. Also called: Congenital fiber-type disproportion; Congenital fiber-type disproportion myopathy. Identifiers: Orphanet 2020, MedGen C0546264, MONDO:0009711. Inheritance: all.
Congenital myopathy with cores. Identifiers: Orphanet 172976, MedGen C5680516, MONDO:0015765.
RYR1-related disorder. Also called: RYR1-related condition; RYR1-related disorders. Identifiers: MedGen CN239331.
Neuromuscular disease. Also called: Neuromyopathy; Neuromuscular disorder. Identifiers: Orphanet 68381, MedGen C0027868, MeSH D009468, MONDO:0019056.
Malignant hyperthermia of anesthesia. Also called: Anesthesic-triggered malignant hyperthermia. Identifiers: Orphanet 423, MedGen C0024591, MONDO:0018493, HP:0034733.

Allele frequency attached by ClinVar (database versions not stated): ExAC 0.00005; ESP Exome Variant Server 0.00008; gnomAD exomes 0.00008; gnomAD 0.00011; TOPMed 0.00012.
gnomAD v4.1: 156 of 1,613,970 alleles (0.0097%); highest among the groups gnomAD compares: Middle Eastern, 0.049%; no homozygotes.

Submissions 1 to 5 of 20:

ClinGen Malignant Hyperthermia Susceptibility Variant Curation Expert Panel, ClinGen
Classification: Uncertain significance for Malignant hyperthermia of anesthesia. Last evaluated: 2025-08-01. Review status: reviewed by expert panel. Criteria: ClinGen MHS ACMG Specifications V2. Collection method: curation. Allele origin: germline. Inheritance: Autosomal dominant inheritance.
Comment: This pathogenicity assessment is relevant only for malignant hyperthermia susceptibility (MHS) inherited in an autosomal dominant pattern. Variants in RYR1 can also cause other myopathies inherited in an autosomal dominant pattern or in an autosomal recessive pattern. Some of these disorders may predispose individuals to malignant hyperthermia. RYR1 variants may also contribute to a malignant hyperthermia reaction in combination with other genetic and non-genetic factors and the clinician needs to consider such factors in making management decisions. This sequence variant predicts a substitution of valine with methionine at codon 4842 of the RYR1 protein, p.(Val4842Met). The maximum allele frequency for this variant among the six major gnomAD populations is AFR: 0.0002, a frequency consistent with pathogenicity for MHS. This variant has been reported in an individual with a personal or family history of an MH episode and a positive in vitro contracture test (IVCT) or caffeine halothane contracture test (CHCT) result (if the proband was unavailable for testing, a positive diagnostic test result in a mutation-positive relative was counted) (PMID:21455645). However, the high MAF in the AFR population in gnomAD precludes the use of PS4. No functional studies were identified for this variant. This variant resides in a region of RYR1 considered to be a hotspot for pathogenic variants that contribute to MHS, PM1_Supporting (PMID: 21118704). A REVEL score >0.85 (0.933) supports a pathogenic status for this variant, PP3_Moderate. This variant has been classified as a Variant of Unknown Significance. Criteria implemented: PM1_Supporting, PP3_Moderate.

Women's Health and Genetics/Laboratory Corporation of America, LabCorp
Classification: Uncertain significance. Last evaluated: 2026-03-31. Review status: criteria provided, single submitter. Criteria: LabCorp Variant Classification Summary - May 2015. Collection method: clinical testing. Allele origin: germline. Not counted in ClinVar's aggregate classification.
Comment: Variant summary: RYR1 c.14524G>A (p.Val4842Met) results in a conservative amino acid change in the encoded protein sequence. Algorithms developed to predict the effect of missense changes on protein structure and function are either unavailable or do not agree on the potential impact of this missense change. The variant allele was found at a frequency of 7.6e-05 in 251266 control chromosomes. This frequency is not significantly higher than estimated for disease-causing variants in RYR1, allowing no conclusion about variant significance. c.14524G>A has been observed as a biallelic genotype in multiple individuals affected with congenital myopathy (e.g. Monnier_2008, Wilmshurst_2010, Bevilacqua_2011, Zhou_2013, Punetha_2016, Abath Neto_2017, Gonzalez-Quereda_2020, Schoonen_2025, El-Dessouky_2025), however in many cases it was found in cis with the pathogenic variant c.10348-6C>G. It has also been found in at least two individuals with malignant hypothermia susceptibility, one who harbored another variant of uncertain significance (Kraeva_2011) and another individual who had c.10348-6C>G in cis (Silva_2025). These reports do not provide unequivocal conclusions about association of the variant with RYR1-related conditions. To our knowledge, no experimental evidence demonstrating an impact on protein function has been reported. The following publications have been ascertained in the context of this evaluation (PMID: 28818389, 21062345, 32403337, 21455645, 18253926, 27854218, 20839240, 23553787, 41153347, 39966651, 39891418). ClinVar contains an entry for this variant (Variation ID: 133075). Based on the evidence outlined above, the variant was classified as uncertain significance.

Revvity Omics, Revvity
Classification: Uncertain significance. Last evaluated: 2025-08-06. Review status: criteria provided, single submitter. Criteria: ACMG Guidelines, 2015. Collection method: clinical testing. Allele origin: germline. Not counted in ClinVar's aggregate classification.

Color Diagnostics, LLC DBA Color Health
Classification: Uncertain significance for Malignant hyperthermia, susceptibility to, 1. Last evaluated: 2025-05-21. Review status: criteria provided, single submitter. Criteria: ACMG Guidelines, 2015. Collection method: clinical testing. Allele origin: germline. Not counted in ClinVar's aggregate classification.
Comment: This missense variant replaces valine with methionine at codon 4842 of the RYR1 protein. Computational prediction suggests that this variant may have deleterious impact on protein structure and function. To our knowledge, functional studies have not been reported for this variant. This variant has been reported in one individual affected with autosomal dominant malignant hyperthermia (PMID: 21455645). This variant has been associated with other phenotype(s) (ClinVar Variation ID: 133075). This variant has been identified in 21/282634 chromosomes in the general population by the Genome Aggregation Database (gnomAD). Due to insufficient evidence, this variant is classified as a Variant of Uncertain Significance for autosomal dominant malignant hyperthermia.

Rady Children's Institute for Genomic Medicine, Rady Children's Hospital San Diego
Classification: Likely pathogenic for RYR1-related disorders. Last evaluated: 2025-02-25. Review status: criteria provided, single submitter. Criteria: ACMG Guidelines, 2015. Collection method: clinical testing. Allele origin: germline. Affected: yes. Not counted in ClinVar's aggregate classification.
Comment: The RYR1 gene is constrained against missense variation (Z-score= 4.01), and missense variants are a common mechanism of disease (PMID: 20301325). The c.14524G>A (p.Val4842Met) variant affects a moderately conserved amino acid and is predicted by multiple in silico tools to have a deleterious effect on protein function. This variant has been previously reported as a compound heterozygous change in patients with RYR1-related myopathies, and as a heterozygous change in patients with malignant hyperthermia susceptibility (PMID: 18253926, 20839240, 21062345, 27854218, 28818389, 30872186, 30932294, 32403337). Additionally, this variant in cis with c.10348-6C>G, is part of a known haplotype and has been described as a compound heterozygous change in individuals with RYR1-related myopathies (PMID: 18253926, 20839240, 21062345). The c.14524G>A (p.Val4842Met) variant is located in the M8 trans-membrane fragment of the calcium pore domain, which is a known hotspot for pathogenic variations associated with RYR1-related disorders (PMID: 21062345, 12486242, 23553787, 28687594). The c.14524G>A (p.Val4842Met) variant is present in the latest version of the gnomAD population database at an allele frequency of 0.009% (156/1613970), and is absent in the homozygous state, thus is presumed to be rare. Based on the available evidence, c.14524G>A (p.Val4842Met) is classified as Likely Pathogenic.

NM_000540.3(RYR1):c.14524G>A (p.Val4842Met)

Gene: RYR1 (ryanodine receptor 1; plus strand). Cytogenetic location: 19q13.2.
Variant type: single nucleotide variant.
Coding change: c.14524G>A on transcript NM_000540.3 (MANE Select); coding-DNA position 14524, G replaced by A.
Protein change: p.Val4842Met; replaces valine 4842 with methionine.
Molecular consequence: missense variant.
Genome position (GRCh38, 1-based): chr19:38,580,382, G>A. VCF-style: chr19-38580382-G-A. GRCh37 (hg19) VCF-style: chr19-39071022-G-A.
Other names: NM_000540.2(RYR1):c.14524G>A; c.14509G>A, p.Val4837Met (NM_001042723.2); short protein forms V4842M, V4837M.
Identifiers: ClinVar variation 133075 (VCV000133075.76), dbSNP rs193922879, ClinGen allele CA024165.
Genomic context (GRCh38, chr19:38,580,382, plus strand): 5'-GGAGGGCAAGCCCAGGGCGGAGCTGACCTGGCCCCATCCTGCCCCCAGCTGGTGATGACC[G>A]TGGGCCTTCTGGCGGTGGTCGTCTACCTGTACACCGTGGTGGCCTTCAACTTCTTCCGCA-3'
Protein context (NP_000531.2, residues 4832-4852): THNGKQLVMT[Val4842Met]GLLAVVVYLY